The following is an entry in ClinVar:

NM_001170629.2(CHD8):c.3052-11A>G

Gene: CHD8 (chromodomain helicase DNA binding protein 8; minus strand). Cytogenetic location: 14q11.2.
Variant type: single nucleotide variant.
Coding change: c.3052-11A>G on transcript NM_001170629.2 (MANE Select); 11 bases into the intron before coding-DNA position 3052, A replaced by G.
Molecular consequence: intron variant.
Genome position (GRCh38, 1-based): chr14:21,405,475, T>C on the plus strand (A>G on the coding strand, the complement: CHD8 is on the minus strand). VCF-style: chr14-21405475-T-C. GRCh37 (hg19) VCF-style: chr14-21873634-T-C.
Other names: c.2215-11A>G (NM_020920.4).
Identifiers: ClinVar variation 976224 (VCV000976224.4), dbSNP rs1888218188, ClinGen allele CA1139663394.
Genomic context (GRCh38, chr14:21,405,475, plus strand): 5'-TTGAGTCTTCTCAGCATCATTGGCTTAAGAATGGCCTGTAGCTTTTGAACCTGTGGTCCA[T>C]TACAGAGAGAAAAATAAATCAATAAGATGAGGGCGAACATTCTCACATTATGTAGAAACA-3'

ClinVar aggregate classification (germline): Uncertain significance (1 of 4 stars; one submission).

Conditions:
Intellectual developmental disorder with autism and macrocephaly. Also called: Autism, susceptibility to, 18; CHD8-Related Neurodevelopmental Disorder with Overgrowth. Identifiers: Orphanet 642675, MedGen C3554373, MONDO:0014017, OMIM 615032.

Submission:

Institute of Human Genetics, University of Leipzig Medical Center
Classification: Uncertain significance for Intellectual developmental disorder with autism and macrocephaly. Last evaluated: 2024-12-12. Review status: criteria provided, single submitter. Criteria: ACMG Guidelines, 2015. Collection method: clinical testing. Allele origin: de novo. Inheritance: Autosomal dominant inheritance. Affected: yes.
Comment: Criteria applied: PS2_MOD,PM2,PP3